The following is an entry in ClinVar:

ClinVar aggregate classification (germline): Uncertain significance. Review status: criteria provided, multiple submitters, no conflicts (2 of 4 stars). 2 submissions from 2 submitters: Uncertain significance (2). Last evaluated 2024-05-14.

Conditions:
Woodhouse-Sakati syndrome. Also called: Hypogonadism, diabetes mellitus, alopecia, mental retardation and electrocardiographic abnormalities; Hypogonadism, Alopecia, Diabetes Mellitus, Mental Retardation, and Extrapyramidal Syndrome; EXTRAPYRAMIDAL DISORDER, PROGRESSIVE, WITH PRIMARY HYPOGONADISM, MENTAL RETARDATION, AND ALOPECIA. Identifiers: Orphanet 3464, MedGen C0342286, MONDO:0009419, OMIM 241080.
Inborn genetic diseases. Identifiers: MedGen C0950123, MeSH D030342.

Allele frequency attached by ClinVar (database versions not stated): gnomAD exomes below 0.00001 and 0.00001; ExAC 0.00001; gnomAD 0.00001.

Submissions (2):

Ambry Genetics
Classification: Uncertain significance for Inborn genetic diseases. Last evaluated: 2024-05-14. Review status: criteria provided, single submitter. Criteria: Ambry Variant Classification Scheme 2023. Collection method: clinical testing. Allele origin: germline.

Labcorp Genetics (formerly Invitae), Labcorp
Classification: Uncertain significance for Woodhouse-Sakati syndrome. Last evaluated: 2019-05-04. Review status: criteria provided, single submitter. Criteria: Invitae Variant Classification Sherloc (09022015). Collection method: clinical testing. Allele origin: germline.
Comment: This sequence change replaces valine with isoleucine at codon 480 of the DCAF17 protein (p.Val480Ile). The valine residue is highly conserved and there is a small physicochemical difference between valine and isoleucine. This variant is present in population databases (rs755775466, ExAC 0.001%). In summary, the available evidence is currently insufficient to determine the role of this variant in disease. Therefore, it has been classified as a Variant of Uncertain Significance. Algorithms developed to predict the effect of missense changes on protein structure and function (SIFT, PolyPhen-2, Align-GVGD) all suggest that this variant is likely to be tolerated, but these predictions have not been confirmed by published functional studies and their clinical significance is uncertain. This variant has not been reported in the literature in individuals with DCAF17-related conditions.

NM_025000.4(DCAF17):c.1438G>A (p.Val480Ile)

Gene: DCAF17 (DDB1 and CUL4 associated factor 17; plus strand). Cytogenetic location: 2q31.1.
Variant type: single nucleotide variant.
Coding change: c.1438G>A on transcript NM_025000.4 (MANE Select); coding-DNA position 1438, G replaced by A.
Protein change: p.Val480Ile; replaces valine 480 with isoleucine.
Molecular consequence: missense variant. On other transcripts: non-coding transcript variant (1).
Genome position (GRCh38, 1-based): chr2:171,480,989, G>A. VCF-style: chr2-171480989-G-A. GRCh37 (hg19) VCF-style: chr2-172337499-G-A.
Other names: c.1237G>A, p.Val413Ile (NM_001164821.2); short protein forms V480I, V413I.
Identifiers: ClinVar variation 948939 (VCV000948939.12), dbSNP rs755775466, ClinGen allele CA1964981.
Genomic context (GRCh38, chr2:171,480,989, plus strand): 5'-TATGGCTGTGTGAAAAGGACTCCATATGATTGTGTTTTGTTACAGACATATAGCCATGAA[G>A]TCTACTTTGACAGAGACTTGGTGCTACACATAGAGCAGAAACCCAACAGAGTCTTCAGCT-3'
Protein context (NP_079276.2, residues 470-490): ESWDVTYSHE[Val480Ile]YFDRDLVLHI